The following is an entry in ClinVar:

NM_006231.4(POLE):c.1320C>G (p.Asp440Glu)

Gene: POLE (DNA polymerase epsilon, catalytic subunit; minus strand). Cytogenetic location: 12q24.33.
Variant type: single nucleotide variant.
Coding change: c.1320C>G on transcript NM_006231.4 (MANE Select); coding-DNA position 1320, C replaced by G.
Protein change: p.Asp440Glu; replaces aspartic acid 440 with glutamic acid.
Molecular consequence: missense variant.
Genome position (GRCh38, 1-based): chr12:132,673,614, G>C on the plus strand (C>G on the coding strand, the complement: POLE is on the minus strand). VCF-style: chr12-132673614-G-C. GRCh37 (hg19) VCF-style: chr12-133250200-G-C.
Other names: short protein forms D440E.
Identifiers: ClinVar variation 473450 (VCV000473450.8), dbSNP rs763350226, ClinGen allele CA6894008.

ClinVar aggregate classification (germline): Uncertain significance (1 of 4 stars; one submission).

Allele frequency attached by ClinVar (database versions not stated): gnomAD exomes below 0.00001; ExAC 0.00001.
gnomAD v4.1: 1 of 1,613,720 alleles (0.000062%); highest among the groups gnomAD compares: Admixed American, 0.0017%; no homozygotes.

Submission:

Labcorp Genetics (formerly Invitae), Labcorp
Classification: Uncertain significance. Last evaluated: 2024-07-11. Review status: criteria provided, single submitter. Criteria: Invitae Variant Classification Sherloc (09022015). Collection method: clinical testing. Allele origin: germline.
Comment: This sequence change replaces aspartic acid, which is acidic and polar, with glutamic acid, which is acidic and polar, at codon 440 of the POLE protein (p.Asp440Glu). This variant is present in population databases (rs763350226, gnomAD 0.003%). This variant has not been reported in the literature in individuals affected with POLE-related conditions. ClinVar contains an entry for this variant (Variation ID: 473450). Advanced modeling of protein sequence and biophysical properties (such as structural, functional, and spatial information, amino acid conservation, physicochemical variation, residue mobility, and thermodynamic stability) has been performed at Invitae for this missense variant, however the output from this modeling did not meet the statistical confidence thresholds required to predict the impact of this variant on POLE protein function. In summary, the available evidence is currently insufficient to determine the role of this variant in disease. Therefore, it has been classified as a Variant of Uncertain Significance.